The following is an entry in ClinVar:

ClinVar aggregate classification (germline): Likely benign. Review status: criteria provided, multiple submitters, no conflicts (2 of 4 stars). 3 submissions from 3 submitters: Likely benign (2). 1 of the submissions does not count toward it. Last evaluated 2026-08-01.

Conditions:
ERBB4-related disorder. Also called: ERBB4-related condition.

Allele frequency attached by ClinVar (database versions not stated): gnomAD exomes 0.00001; ExAC 0.00003; TOPMed 0.00016; gnomAD 0.00018; ESP Exome Variant Server 0.00023.
gnomAD v4.1: 45 of 1,608,884 alleles (0.0028%); highest among the groups gnomAD compares: African/African-American, 0.055%; no homozygotes.

Submissions (3):

CeGaT Center for Human Genetics Tuebingen
Classification: Likely benign. Last evaluated: 2026-08-01. Review status: criteria provided, single submitter. Criteria: CeGaT Center For Human Genetics Tuebingen Variant Classification Criteria Version 2. Collection method: clinical testing. Allele origin: germline. Affected: yes. Observed: 1 variant allele.
Comment: ERBB4: BP4, BP7

Labcorp Genetics (formerly Invitae), Labcorp
Classification: Likely benign. Last evaluated: 2025-12-08. Review status: criteria provided, single submitter. Criteria: Invitae Variant Classification Sherloc (09022015). Collection method: clinical testing. Allele origin: germline.

PreventionGenetics, part of Exact Sciences
Classification: Likely benign for ERBB4-related condition. Last evaluated: 2019-04-10. Review status: no assertion criteria provided. Collection method: clinical testing. Allele origin: germline. Not counted in ClinVar's aggregate classification.
Comment: This variant is classified as likely benign based on ACMG/AMP sequence variant interpretation guidelines (Richards et al. 2015 PMID: 25741868, with internal and published modifications).

NM_005235.3(ERBB4):c.975T>G (p.Pro325=)

Gene: ERBB4 (erb-b2 receptor tyrosine kinase 4; minus strand). Cytogenetic location: 2q34.
Variant type: single nucleotide variant.
Coding change: c.975T>G on transcript NM_005235.3 (MANE Select); coding-DNA position 975, T replaced by G.
Protein change: p.Pro325=; no amino-acid change (proline 325 retained).
Molecular consequence: synonymous variant.
Genome position (GRCh38, 1-based): chr2:211,713,557, A>C on the plus strand (T>G on the coding strand, the complement: ERBB4 is on the minus strand). VCF-style: chr2-211713557-A-C. GRCh37 (hg19) VCF-style: chr2-212578282-A-C.
Other names: c.975T>G, p.Pro325= (NM_001042599.2).
Identifiers: ClinVar variation 2081821 (VCV002081821.7), dbSNP rs147226002, ClinGen allele CA2088281.